The following is an entry in ClinVar:

NM_020923.3(ZDBF2):c.2956G>A (p.Ala986Thr)

Gene: ZDBF2 (zinc finger DBF-type containing 2; plus strand). Cytogenetic location: 2q33.3.
Variant type: single nucleotide variant.
Coding change: c.2956G>A on transcript NM_020923.3 (MANE Select); coding-DNA position 2956, G replaced by A.
Protein change: p.Ala986Thr; replaces alanine 986 with threonine.
Molecular consequence: missense variant.
Genome position (GRCh38, 1-based): chr2:206,307,484, G>A. VCF-style: chr2-206307484-G-A. GRCh37 (hg19) VCF-style: chr2-207172208-G-A.
Other names: c.2950G>A, p.Ala984Thr (NM_001285549.2); c.2956G>A, p.Ala986Thr (NM_001369654.1); c.2956G>A (NM_020923.1); short protein forms A986T, A984T.
Identifiers: ClinVar variation 2737641 (VCV002737641.4), dbSNP rs541807210, ClinGen allele CA2072088.

ClinVar aggregate classification (germline): Conflicting classifications of pathogenicity. Review status: criteria provided, conflicting classifications (1 of 4 stars). 2 submissions from 2 submitters: Uncertain significance (1); Likely benign (1). Last evaluated 2025-04-16.

Allele frequency attached by ClinVar (database versions not stated): gnomAD exomes 0.00011; 1000 Genomes Project 30x 0.00031; 1000 Genomes Project 0.00020; gnomAD 0.00008; TOPMed 0.00009; ExAC 0.00022.
gnomAD v4.1: 172 of 1,613,114 alleles (0.011%); highest among the groups gnomAD compares: Admixed American, 0.065%; no homozygotes.

Submissions (2):

Labcorp Genetics (formerly Invitae), Labcorp
Classification: Uncertain significance. Last evaluated: 2025-04-16. Review status: criteria provided, single submitter. Criteria: Invitae Variant Classification Sherloc (09022015). Collection method: clinical testing. Allele origin: germline.
Comment: This sequence change replaces alanine, which is neutral and non-polar, with threonine, which is neutral and polar, at codon 986 of the ZDBF2 protein (p.Ala986Thr). This variant is present in population databases (rs541807210, gnomAD 0.08%), and has an allele count higher than expected for a pathogenic variant. This variant has not been reported in the literature in individuals affected with ZDBF2-related conditions. ClinVar contains an entry for this variant (Variation ID: 2737641). An algorithm developed to predict the effect of missense changes on protein structure and function outputs the following: PolyPhen-2: "Benign". The threonine amino acid residue is found in multiple mammalian species, which suggests that this missense change does not adversely affect protein function. In summary, the available evidence is currently insufficient to determine the role of this variant in disease. Therefore, it has been classified as a Variant of Uncertain Significance.

Ambry Genetics
Classification: Likely benign. Last evaluated: 2025-02-22. Review status: criteria provided, single submitter. Criteria: Ambry Variant Classification Scheme 2023. Collection method: clinical testing. Allele origin: germline.